The following is an entry in ClinVar:

ClinVar aggregate classification (germline): Uncertain significance (1 of 4 stars; one submission).

Submission:

Women's Health and Genetics/Laboratory Corporation of America, LabCorp
Classification: Uncertain significance. Last evaluated: 2025-01-29. Review status: criteria provided, single submitter. Criteria: LabCorp Variant Classification Summary - May 2015. Collection method: clinical testing. Allele origin: germline.
Comment: Variant summary: SYNE1 c.5283C>A (p.Asn1761Lys) results in a non-conservative amino acid change in the encoded protein sequence. Four of five in-silico tools predict a benign effect of the variant on protein function. The variant was absent in 251214 control chromosomes. The available data on variant occurrences in the general population are insufficient to allow any conclusion about variant significance. To our knowledge, no occurrence of c.5283C>A in individuals affected with Autosomal recessive ataxia, Beauce type and no experimental evidence demonstrating its impact on protein function have been reported. No submitters have cited clinical-significance assessments for this variant to ClinVar. Based on the evidence outlined above, the variant was classified as uncertain significance.

NM_182961.4(SYNE1):c.5262C>A (p.Asn1754Lys)

Gene: SYNE1 (spectrin repeat containing nuclear envelope protein 1; minus strand). Cytogenetic location: 6q25.2.
Variant type: single nucleotide variant.
Coding change: c.5262C>A on transcript NM_182961.4 (MANE Select); coding-DNA position 5262, C replaced by A.
Protein change: p.Asn1754Lys; replaces asparagine 1754 with lysine.
Molecular consequence: missense variant.
Genome position (GRCh38, 1-based): chr6:152,425,386, G>T on the plus strand (C>A on the coding strand, the complement: SYNE1 is on the minus strand). VCF-style: chr6-152425386-G-T. GRCh37 (hg19) VCF-style: chr6-152746521-G-T.
Other names: c.5283C>A, p.Asn1761Lys (NM_033071.5); short protein forms N1754K, N1761K.
Identifiers: ClinVar variation 3769346 (VCV003769346.2).